The following is an entry in ClinVar:

NM_003737.4(DCHS1):c.3124A>G (p.Ser1042Gly)

Gene: DCHS1 (dachsous cadherin-related 1; minus strand). Cytogenetic location: 11p15.4.
Variant type: single nucleotide variant.
Coding change: c.3124A>G on transcript NM_003737.4 (MANE Select); coding-DNA position 3124, A replaced by G.
Protein change: p.Ser1042Gly; replaces serine 1042 with glycine.
Molecular consequence: missense variant.
Genome position (GRCh38, 1-based): chr11:6,632,388, T>C on the plus strand (A>G on the coding strand, the complement: DCHS1 is on the minus strand). VCF-style: chr11-6632388-T-C. GRCh37 (hg19) VCF-style: chr11-6653619-T-C.
Other names: short protein forms S1042G.
Identifiers: ClinVar variation 2890240 (VCV002890240.3), dbSNP rs138084191, ClinGen allele CA5860602.

ClinVar aggregate classification (germline): Uncertain significance (1 of 4 stars; one submission).

Allele frequency attached by ClinVar (database versions not stated): gnomAD exomes 0.00001; ExAC 0.00001; gnomAD 0.00001.

Submission:

Labcorp Genetics (formerly Invitae), Labcorp
Classification: Uncertain significance. Last evaluated: 2022-12-04. Review status: criteria provided, single submitter. Criteria: Invitae Variant Classification Sherloc (09022015). Collection method: clinical testing. Allele origin: germline.
Comment: In summary, the available evidence is currently insufficient to determine the role of this variant in disease. Therefore, it has been classified as a Variant of Uncertain Significance. Advanced modeling of protein sequence and biophysical properties (such as structural, functional, and spatial information, amino acid conservation, physicochemical variation, residue mobility, and thermodynamic stability) performed at Invitae indicates that this missense variant is not expected to disrupt DCHS1 protein function. This variant has not been reported in the literature in individuals affected with DCHS1-related conditions. This variant is present in population databases (rs138084191, gnomAD 0.0009%). This sequence change replaces serine, which is neutral and polar, with glycine, which is neutral and non-polar, at codon 1042 of the DCHS1 protein (p.Ser1042Gly).